The following is an entry in ClinVar:

ClinVar aggregate classification (germline): Uncertain significance (1 of 4 stars; one submission).

Conditions:
Perlman syndrome (PRLMNS). Identifiers: Orphanet 2849, MedGen C0796113, MONDO:0009965, OMIM 267000.

Submission:

Labcorp Genetics (formerly Invitae), Labcorp
Classification: Uncertain significance for Perlman syndrome. Last evaluated: 2022-06-07. Review status: criteria provided, single submitter. Criteria: Invitae Variant Classification Sherloc (09022015). Collection method: clinical testing. Allele origin: germline.
Comment: This sequence change results in a frameshift in the DIS3L2 gene (p.Glu880Valfs*39). While this is not anticipated to result in nonsense mediated decay, it is expected to disrupt the last 6 amino acid(s) of the DIS3L2 protein and extend the protein by 32 additional amino acid residues. In summary, the available evidence is currently insufficient to determine the role of this variant in disease. Therefore, it has been classified as a Variant of Uncertain Significance. Experimental studies and prediction algorithms are not available or were not evaluated, and the functional significance of this variant is currently unknown. This variant has not been reported in the literature in individuals affected with DIS3L2-related conditions. This variant is not present in population databases (gnomAD no frequency).

NM_152383.5(DIS3L2):c.2631_2638dup (p.Glu880fs)

Gene: DIS3L2 (DIS3 like 3'-5' exoribonuclease 2; plus strand). Cytogenetic location: 2q37.1.
Variant type: Duplication.
Coding change: c.2631_2638dup on transcript NM_152383.5 (MANE Select); coding-DNA positions 2631 to 2638, 8 bases duplicated (TGAGCCCG; older notation c.2631_2638dupTGAGCCCG).
Protein change: p.Glu880fs; shifts the reading frame from glutamic acid 880.
Molecular consequence: frameshift variant. On other transcripts: non-coding transcript variant (2), intron variant (1).
Genome position (GRCh38, 1-based): chr2:232,336,603-232,336,610, TGAGCCCG duplicated; duplicating any 8 consecutive bases within chr2:232,336,602-232,336,610 gives the same sequence; the c. name uses the placement nearest the transcript's 3' end. VCF-style (leftmost placement, unchanged base first): chr2-232336601-G-GGTGAGCCC. GRCh37 (hg19) VCF-style: chr2-233201311-G-GGTGAGCCC.
Other names: c.1582-6742_1582-6735dup (NM_001257281.2); short protein forms E880fs.
Identifiers: ClinVar variation 2003062 (VCV002003062.4), dbSNP rs2469455798, ClinGen allele CA2580066045.